The following is an entry in ClinVar:

NM_004415.4(DSP):c.2278dup (p.Thr760fs)

Gene: DSP (desmoplakin; plus strand). Cytogenetic location: 6p24.3.
Variant type: Duplication.
Coding change: c.2278dup on transcript NM_004415.4 (MANE Select); coding-DNA position 2278, one base duplicated (A; older notation c.2278dupA).
Protein change: p.Thr760fs; shifts the reading frame from threonine 760.
Molecular consequence: frameshift variant.
Genome position (GRCh38, 1-based): chr6:7,574,233, A duplicated. VCF-style (leftmost placement, unchanged base first): chr6-7574232-T-TA. GRCh37 (hg19) VCF-style: chr6-7574465-T-TA.
Other names: c.2278dup, p.Thr760fs (NM_001008844.3, NM_001319034.2); short protein forms T760fs.
Identifiers: ClinVar variation 2941535 (VCV002941535.3), dbSNP rs2533903877, ClinGen allele CA2740094233.
Genomic context (GRCh38, chr6:7,574,232, plus strand): 5'-CTGCTATTTACAGAATGAAGTATTTGGACTATTTCAGAAACTGGAAAATATCAATGGTGT[T>TA]ACAGATGGCTACTTAAATAGGTAAACTCAGCTAACACTAATCTCATATTTTCCTTTTCTC-3'

ClinVar aggregate classification (germline): Pathogenic (1 of 4 stars; one submission).

Conditions:
Arrhythmogenic cardiomyopathy with wooly hair and keratoderma. Also called: PALMOPLANTAR KERATODERMA WITH LEFT VENTRICULAR CARDIOMYOPATHY AND WOOLLY HAIR; Carvajal syndrome; Dilated cardiomyopathy with woolly hair and keratoderma; Arrhythmogenic cardiomyopathy with woolly hair and keratoderma. Identifiers: Orphanet 65282, MedGen C1854063, MONDO:0011581, OMIM 605676.
Arrhythmogenic right ventricular dysplasia 8 (ARVD8). Also called: Arrhythmogenic Right Ventricular Dysplasia/Cardiomyopathy 8; ARRHYTHMOGENIC RIGHT VENTRICULAR DYSPLASIA, FAMILIAL, 8; ARRHYTHMOGENIC RIGHT VENTRICULAR CARDIOMYOPATHY 8. Identifiers: MedGen C1843896, MONDO:0011831, OMIM 607450.

Submission:

Labcorp Genetics (formerly Invitae), Labcorp
Classification: Pathogenic for Arrhythmogenic cardiomyopathy with wooly hair and keratoderma; Arrhythmogenic right ventricular dysplasia 8. Last evaluated: 2023-04-26. Review status: criteria provided, single submitter. Criteria: Invitae Variant Classification Sherloc (09022015). Collection method: clinical testing. Allele origin: germline.
Comment: For these reasons, this variant has been classified as Pathogenic. This variant has not been reported in the literature in individuals affected with DSP-related conditions. This variant is not present in population databases (gnomAD no frequency). This sequence change creates a premature translational stop signal (p.Thr760Asnfs*7) in the DSP gene. It is expected to result in an absent or disrupted protein product. Loss-of-function variants in DSP are known to be pathogenic (PMID: 20716751, 24503780, 25227139).

Literature cited by the submitters: PubMed 20716751; PubMed 24503780; PubMed 25227139.